The following is an entry in ClinVar:

NM_005733.3(KIF20A):c.1924C>G (p.Gln642Glu)

Gene: KIF20A (kinesin family member 20A; plus strand). Cytogenetic location: 5q31.2.
Variant type: single nucleotide variant.
Coding change: c.1924C>G on transcript NM_005733.3 (MANE Select); coding-DNA position 1924, C replaced by G.
Protein change: p.Gln642Glu; replaces glutamine 642 with glutamic acid.
Molecular consequence: missense variant.
Genome position (GRCh38, 1-based): chr5:138,185,195, C>G. VCF-style: chr5-138185195-C-G. GRCh37 (hg19) VCF-style: chr5-137520884-C-G.
Other names: short protein forms Q642E.
Identifiers: ClinVar variation 4688364 (VCV004688364.2).

ClinVar aggregate classification (germline): Uncertain significance. Review status: criteria provided, multiple submitters, no conflicts (2 of 4 stars). 2 submissions from 2 submitters: Uncertain significance (2). Last evaluated 2025-12-30.

Submissions (2):

Women's Health and Genetics/Laboratory Corporation of America, LabCorp
Classification: Uncertain significance. Last evaluated: 2025-12-30. Review status: criteria provided, single submitter. Criteria: LabCorp Variant Classification Summary - May 2015. Collection method: clinical testing. Allele origin: germline.
Comment: Variant summary: KIF20A c.1924C>G (p.Gln642Glu) results in a conservative amino acid change in the encoded protein sequence. Algorithms developed to predict the effect of missense changes on protein structure and function are either unavailable or do not agree on the potential impact of this missense change. Consensus agreement among computation tools predict no significant impact on normal splicing. However, these predictions have yet to be confirmed by functional studies. The variant was absent in 249042 control chromosomes. The available data on variant occurrences in the general population are insufficient to allow any conclusion about variant significance. To our knowledge, no occurrence of c.1924C>G in individuals affected with KIF20A-related conditions and no experimental evidence demonstrating its impact on protein function have been reported. No submitters have cited clinical-significance assessments for this variant to ClinVar. Based on the evidence outlined above, the variant was classified as uncertain significance.

Labcorp Genetics (formerly Invitae), Labcorp
Classification: Uncertain significance. Last evaluated: 2025-03-03. Review status: criteria provided, single submitter. Criteria: Invitae Variant Classification Sherloc (09022015). Collection method: clinical testing. Allele origin: germline.
Comment: This sequence change replaces glutamine, which is neutral and polar, with glutamic acid, which is acidic and polar, at codon 642 of the KIF20A protein (p.Gln642Glu). This variant is not present in population databases (gnomAD no frequency). This variant has not been reported in the literature in individuals affected with KIF20A-related conditions. An algorithm developed to predict the effect of missense changes on protein structure and function (PolyPhen-2) suggests that this variant is likely to be tolerated. In summary, the available evidence is currently insufficient to determine the role of this variant in disease. Therefore, it has been classified as a Variant of Uncertain Significance.